The following is an entry in ClinVar:

NM_016148.5(SHANK1):c.4443C>T (p.Ala1481=)

Gene: SHANK1 (SH3 and multiple ankyrin repeat domains 1; minus strand). Cytogenetic location: 19q13.33.
Variant type: single nucleotide variant.
Coding change: c.4443C>T on transcript NM_016148.5 (MANE Select); coding-DNA position 4443, C replaced by T.
Protein change: p.Ala1481=; no amino-acid change (alanine 1481 retained).
Molecular consequence: synonymous variant.
Genome position (GRCh38, 1-based): chr19:50,667,517, G>A on the plus strand (C>T on the coding strand, the complement: SHANK1 is on the minus strand). VCF-style: chr19-50667517-G-A. GRCh37 (hg19) VCF-style: chr19-51170774-G-A.
Identifiers: ClinVar variation 2650357 (VCV002650357.24), dbSNP rs536205180, ClinGen allele CA9601182.

ClinVar aggregate classification (germline): Benign (1 of 4 stars; one submission).

Allele frequency attached by ClinVar (database versions not stated): TOPMed 0.00003; gnomAD 0.00013; gnomAD exomes 0.00030; 1000 Genomes Project 30x 0.00109; 1000 Genomes Project 0.00140; ExAC 0.00199.
gnomAD v4.1: 428 of 1,519,802 alleles (0.028%); highest among the groups gnomAD compares: South Asian, 0.52%; 10 homozygotes.

Submission:

CeGaT Center for Human Genetics Tuebingen
Classification: Benign. Last evaluated: 2022-07-01. Review status: criteria provided, single submitter. Criteria: CeGaT Center For Human Genetics Tuebingen Variant Classification Criteria Version 2. Collection method: clinical testing. Allele origin: germline. Affected: yes. Observed: 1 variant allele.
Comment: SHANK1: BS1, BS2